The following is an entry in ClinVar:

NM_001042492.3(NF1):c.961G>T (p.Ala321Ser)

Gene: NF1 (neurofibromin 1; plus strand). Cytogenetic location: 17q11.2.
Variant type: single nucleotide variant.
Coding change: c.961G>T on transcript NM_001042492.3 (MANE Select); coding-DNA position 961, G replaced by T.
Protein change: p.Ala321Ser; replaces alanine 321 with serine.
Molecular consequence: missense variant.
Genome position (GRCh38, 1-based): chr17:31,200,494, G>T. VCF-style: chr17-31200494-G-T. GRCh37 (hg19) VCF-style: chr17-29527512-G-T.
Other names: c.961G>T, p.Ala321Ser (NM_000267.4, NM_001128147.3); short protein forms A321S.
Identifiers: ClinVar variation 4615714 (VCV004615714.1).

ClinVar aggregate classification (germline): Uncertain significance (1 of 4 stars; one submission).

Conditions:
Cardiovascular phenotype. Identifiers: MedGen CN230736.
Hereditary cancer-predisposing syndrome. Also called: Neoplastic Syndromes, Hereditary; Tumor predisposition; Hereditary Cancer Syndrome; Hereditary neoplastic syndrome. Identifiers: Orphanet 140162, MedGen C0027672, MeSH D009386, MONDO:0015356.

Submission:

Ambry Genetics
Classification: Uncertain significance for Cardiovascular phenotype; Hereditary cancer-predisposing syndrome. Last evaluated: 2025-09-16. Review status: criteria provided, single submitter. Criteria: Ambry Variant Classification Scheme 2023. Collection method: clinical testing. Allele origin: germline.
Comment: The p.A321S variant (also known as c.961G>T), located in coding exon 9 of the NF1 gene, results from a G to T substitution at nucleotide position 961. The alanine at codon 321 is replaced by serine, an amino acid with similar properties. This amino acid position is highly conserved in available vertebrate species. In addition, the in silico prediction for this alteration is inconclusive. Based on the available evidence, the clinical significance of this variant remains unclear.